The following is an entry in ClinVar:

ClinVar aggregate classification (germline): Uncertain significance (1 of 4 stars; one submission).

Conditions:
Inborn genetic diseases. Identifiers: MedGen C0950123, MeSH D030342.

Allele frequency attached by ClinVar (database versions not stated): gnomAD 0.00001; TOPMed 0.00003; gnomAD exomes 0.00005; ExAC 0.00006; ESP Exome Variant Server 0.00008.
gnomAD v4.1: 74 of 1,611,178 alleles (0.0046%); highest among the groups gnomAD compares: East Asian, 0.029%; no homozygotes.

Submission:

Ambry Genetics
Classification: Uncertain significance for Inborn genetic diseases. Last evaluated: 2018-07-20. Review status: criteria provided, single submitter. Criteria: Ambry Variant Classification Scheme 2023. Collection method: clinical testing. Allele origin: germline.
Comment: The p.S473L variant (also known as c.1418C>T), located in coding exon 13 of the CC2D1A gene, results from a C to T substitution at nucleotide position 1418. The serine at codon 473 is replaced by leucine, an amino acid with dissimilar properties. This amino acid position is not well conserved in available vertebrate species. In addition, this alteration is predicted to be tolerated by in silico analysis. Since supporting evidence is limited at this time, the clinical significance of this alteration remains unclear.

NM_017721.5(CC2D1A):c.1418C>T (p.Ser473Leu)

Gene: CC2D1A (coiled-coil and C2 domain containing 1A; plus strand). Cytogenetic location: 19p13.12.
Variant type: single nucleotide variant.
Coding change: c.1418C>T on transcript NM_017721.5 (MANE Select); coding-DNA position 1418, C replaced by T.
Protein change: p.Ser473Leu; replaces serine 473 with leucine.
Molecular consequence: missense variant.
Genome position (GRCh38, 1-based): chr19:13,920,618, C>T. VCF-style: chr19-13920618-C-T. GRCh37 (hg19) VCF-style: chr19-14031431-C-T.
Other names: c.1418C>T, p.Ser473Leu (NM_001411138.1); short protein forms S473L.
Identifiers: ClinVar variation 1772174 (VCV001772174.2), dbSNP rs369142336, ClinGen allele CA9244666.
Genomic context (GRCh38, chr19:13,920,618, plus strand): 5'-AGAACAGCCCTGTGGCCCCCACAGCCCAGCCCAAAGCCCCACCCTCAAGAACTCCCCAGT[C>T]GGGATCAGCCCCAACAGCCAAAGCGCCCCCCAAAGCCACATCCACCAGAGGTAAGTTCCC-3'
Protein context (NP_060191.3, residues 463-483): PKAPPSRTPQ[Ser473Leu]GSAPTAKAPP